The following is an entry in ClinVar:

NM_020911.2(PLXNA4):c.309C>A (p.Thr103=)

Gene: PLXNA4 (plexin A4; minus strand). Cytogenetic location: 7q32.3.
Variant type: single nucleotide variant.
Coding change: c.309C>A on transcript NM_020911.2 (MANE Select); coding-DNA position 309, C replaced by A.
Protein change: p.Thr103=; no amino-acid change (threonine 103 retained).
Molecular consequence: synonymous variant.
Genome position (GRCh38, 1-based): chr7:132,508,385, G>T on the plus strand (C>A on the coding strand, the complement: PLXNA4 is on the minus strand). VCF-style: chr7-132508385-G-T. GRCh37 (hg19) VCF-style: chr7-132193144-G-T.
Other names: c.309C>A, p.Thr103= (NM_001105543.2, NM_001393897.1, NM_181775.4).
Identifiers: ClinVar variation 4982557 (VCV004982557.1).

ClinVar aggregate classification (germline): Likely benign (1 of 4 stars; one submission).

Conditions:
PLXNA4-related disorder. Also called: PLXNA4-related condition.

Submission:

PreventionGenetics, part of Exact Sciences
Classification: Likely benign for PLXNA4-related condition. Last evaluated: 2024-11-14. Review status: criteria provided, single submitter. Criteria: ACMG Guidelines, 2015. Collection method: clinical testing. Allele origin: germline.
Comment: This variant is classified as likely benign based on ACMG/AMP sequence variant interpretation guidelines (Richards et al. 2015 PMID: 25741868, with internal and published modifications).